The following is an entry in ClinVar:

ClinVar aggregate classification (germline): Pathogenic/Likely pathogenic. Review status: criteria provided, multiple submitters, no conflicts (2 of 4 stars). 3 submissions from 3 submitters: Pathogenic (2); Likely pathogenic (1). Last evaluated 2025-05-19.

Conditions:
Pierson syndrome. Also called: MICROCORIA-CONGENITAL NEPHROTIC SYNDROME. Identifiers: Orphanet 2670, MedGen C1836876, MONDO:0012184, OMIM 609049.
LAMB2-related infantile-onset nephrotic syndrome. Also called: NEPHROTIC SYNDROME, TYPE 5, WITHOUT OCULAR ABNORMALITIES; NEPHROTIC SYNDROME, TYPE 5, WITH OCULAR ABNORMALITIES; Nephrotic Syndrome, type 5. Identifiers: Orphanet 306507, MedGen C3280113, MONDO:0013621, OMIM 614199.

Allele frequency attached by ClinVar (database versions not stated): ExAC 0.00002; gnomAD 0.00002; gnomAD exomes 0.00003; TOPMed 0.00005; ESP Exome Variant Server 0.00455.

Submissions (3):

Labcorp Genetics (formerly Invitae), Labcorp
Classification: Pathogenic for LAMB2-related infantile-onset nephrotic syndrome; Pierson syndrome. Last evaluated: 2025-05-19. Review status: criteria provided, single submitter. Criteria: Invitae Variant Classification Sherloc (09022015). Collection method: clinical testing. Allele origin: germline.
Comment: This sequence change creates a premature translational stop signal (p.Gly902*) in the LAMB2 gene. It is expected to result in an absent or disrupted protein product. Loss-of-function variants in LAMB2 are known to be pathogenic (PMID: 15367484). This variant is present in population databases (rs749154605, gnomAD 0.006%). This variant has not been reported in the literature in individuals affected with LAMB2-related conditions. ClinVar contains an entry for this variant (Variation ID: 2664216). For these reasons, this variant has been classified as Pathogenic.

Juno Genomics, Hangzhou Juno Genomics, Inc
Classification: Pathogenic for LAMB2-related infantile-onset nephrotic syndrome; Pierson syndrome. Review status: criteria provided, single submitter. Criteria: ACMG Guidelines, 2015. Collection method: clinical testing. Allele origin: germline.
Comment: Absent from controls (or at extremely low frequency if recessive) in Genome Aggregation Database.;Null variant in a gene where loss of function (LOF) is a known mechanism of disease.;For recessive disorders, detected in trans with a pathogenic variant.

Neuberg Centre For Genomic Medicine, NCGM
Classification: Likely pathogenic for Pierson syndrome. Review status: criteria provided, single submitter. Criteria: ACMG Guidelines, 2015. Collection method: clinical testing. Allele origin: germline. Inheritance: Autosomal recessive inheritance. Affected: yes.
Comment: The frame shift c.2700_2701del(p.Gly902Ter) variant in LAMB2 gene has not been reported previously as a pathogenic variant nor as a benign variant, to our knowledge. The c.2700_2701del variant is novel (not in any individuals) in 1000 Genomes and has allele frequency of 0.002% in gnomAD exomes database. This variant has not been reported to the ClinVar database. This variant is predicted to cause loss of normal protein function through protein truncation. Loss of function variants have been previously reported to be disease causing. For these reasons, this variant has been classified as Likely Pathogenic.

Literature cited by the submitters: PubMed 15367484 (cited by Labcorp Genetics (formerly Invitae), Labcorp).

NM_002292.4(LAMB2):c.2700_2701del (p.Gly901_Gly902insTer)

Gene: LAMB2 (laminin subunit beta 2; minus strand). Cytogenetic location: 3p21.31.
Variant type: Deletion.
Coding change: c.2700_2701del on transcript NM_002292.4 (MANE Select); coding-DNA positions 2700 to 2701, 2 bases deleted (AG; older notation c.2700_2701delAG).
Protein change: p.Gly901_Gly902insTer.
Molecular consequence: frameshift variant.
Genome position (GRCh38, 1-based): chr3:49,125,272-49,125,273, CT deleted on the plus strand (AG on the coding strand, the reverse complement: LAMB2 is on the minus strand). VCF-style (leftmost placement, unchanged base first): chr3-49125271-CCT-C. GRCh37 (hg19) VCF-style: chr3-49162704-CCT-C.
Identifiers: ClinVar variation 2664216 (VCV002664216.5), dbSNP rs749154605, ClinGen allele CA2394242.
Genomic context (GRCh38, chr3:49,125,271, plus strand): 5'-CCTGCCCACCAACCAACCCACTCATAGCTGCTCCAGTCTCACCTTTCACAGTGCTCACCC[CCT>C]GTGTGATCACGGCAGCCCAGGCAAGCGCCTGTGTGGGTGTTGCACTCATCTGCATGCCCA-3'